The following is an entry in ClinVar:

ClinVar aggregate classification (germline): Uncertain significance. Review status: criteria provided, multiple submitters, no conflicts (2 of 4 stars). 2 submissions from 2 submitters: Uncertain significance (2). Last evaluated 2021-07-31.

Conditions:
Primary ciliary dyskinesia. Also called: Ciliary dyskinesia. Identifiers: Orphanet 244, MedGen C0008780, MONDO:0016575, HP:0012265.

Submissions (2):

Labcorp Genetics (formerly Invitae), Labcorp
Classification: Uncertain significance for Primary ciliary dyskinesia. Last evaluated: 2021-07-31. Review status: criteria provided, single submitter. Criteria: Invitae Variant Classification Sherloc (09022015). Collection method: clinical testing. Allele origin: germline.
Comment: In summary, the available evidence is currently insufficient to determine the role of this variant in disease. Therefore, it has been classified as a Variant of Uncertain Significance. Advanced modeling of protein sequence and biophysical properties (such as structural, functional, and spatial information, amino acid conservation, physicochemical variation, residue mobility, and thermodynamic stability) performed at Invitae indicates that this missense variant is not expected to disrupt DNAH11 protein function. This variant has not been reported in the literature in individuals affected with DNAH11-related conditions. This variant is not present in population databases (ExAC no frequency). This sequence change replaces arginine with serine at codon 3949 of the DNAH11 protein (p.Arg3949Ser). The arginine residue is moderately conserved and there is a moderate physicochemical difference between arginine and serine.

Ambry Genetics
Classification: Uncertain significance for Primary ciliary dyskinesia. Last evaluated: 2019-03-10. Review status: criteria provided, single submitter. Criteria: Ambry Variant Classification Scheme 2023. Collection method: clinical testing. Allele origin: germline.
Comment: The p.R3949S variant (also known as c.11847A>C), located in coding exon 73 of the DNAH11 gene, results from an A to C substitution at nucleotide position 11847. The arginine at codon 3949 is replaced by serine, an amino acid with dissimilar properties. This nucleotide position is not well conserved in available vertebrate species. This amino acid position is poorly conserved in available vertebrate species. In addition, this alteration is predicted to be tolerated by in silico analysis. Since supporting evidence is limited at this time, the clinical significance of this alteration remains unclear.

NM_001277115.2(DNAH11):c.11847A>C (p.Arg3949Ser)

Gene: DNAH11 (dynein axonemal heavy chain 11; plus strand). Cytogenetic location: 7p15.3.
Variant type: single nucleotide variant.
Coding change: c.11847A>C on transcript NM_001277115.2 (MANE Select); coding-DNA position 11847, A replaced by C.
Protein change: p.Arg3949Ser; replaces arginine 3949 with serine.
Molecular consequence: missense variant.
Genome position (GRCh38, 1-based): chr7:21,868,871, A>C. VCF-style: chr7-21868871-A-C. GRCh37 (hg19) VCF-style: chr7-21908489-A-C.
Other names: short protein forms R3949S.
Identifiers: ClinVar variation 1375945 (VCV001375945.8), dbSNP rs2128035660, ClinGen allele CA366962660.